The following is an entry in ClinVar:

ClinVar aggregate classification (germline): Uncertain significance (1 of 4 stars; one submission).

Submission:

Labcorp Genetics (formerly Invitae), Labcorp
Classification: Uncertain significance. Last evaluated: 2023-05-25. Review status: criteria provided, single submitter. Criteria: Invitae Variant Classification Sherloc (09022015). Collection method: clinical testing. Allele origin: germline.
Comment: In summary, the available evidence is currently insufficient to determine the role of this variant in disease. Therefore, it has been classified as a Variant of Uncertain Significance. An algorithm developed to predict the effect of missense changes on protein structure and function (PolyPhen-2) suggests that this variant is likely to be disruptive. This sequence change replaces threonine, which is neutral and polar, with asparagine, which is neutral and polar, at codon 1426 of the A2ML1 protein (p.Thr1426Asn). This variant is not present in population databases (gnomAD no frequency). This variant has not been reported in the literature in individuals affected with A2ML1-related conditions.

NM_144670.6(A2ML1):c.4277C>A (p.Thr1426Asn)

Gene: A2ML1 (alpha-2-macroglobulin like 1; plus strand). Cytogenetic location: 12p13.31.
Variant type: single nucleotide variant.
Coding change: c.4277C>A on transcript NM_144670.6 (MANE Select); coding-DNA position 4277, C replaced by A.
Protein change: p.Thr1426Asn; replaces threonine 1426 with asparagine.
Molecular consequence: missense variant.
Genome position (GRCh38, 1-based): chr12:8,874,480, C>A. VCF-style: chr12-8874480-C-A. GRCh37 (hg19) VCF-style: chr12-9027076-C-A.
Other names: c.2804C>A, p.Thr935Asn (NM_001282424.3); short protein forms T1426N, T935N.
Identifiers: ClinVar variation 2857746 (VCV002857746.3), dbSNP rs2136995608, ClinGen allele CA383814517.